The following is an entry in ClinVar:

NM_012082.4(ZFPM2):c.2628C>G (p.Phe876Leu)

Genes: ZFPM2 (zinc finger protein, FOG family member 2; plus strand), ZFPM2-AS1 (ZFPM2 antisense RNA 1; minus strand), LOC126860469 (BRD4-independent group 4 enhancer GRCh37_chr8:106814445-106815644; plus strand). Cytogenetic location: 8q23.1.
Variant type: single nucleotide variant.
Coding change: c.2628C>G on transcript NM_012082.4 (MANE Select); coding-DNA position 2628, C replaced by G.
Protein change: p.Phe876Leu; replaces phenylalanine 876 with leucine.
Molecular consequence: missense variant.
Genome position (GRCh38, 1-based): chr8:105,802,710, C>G. VCF-style: chr8-105802710-C-G. GRCh37 (hg19) VCF-style: chr8-106814938-C-G.
Other names: c.2469C>G, p.Phe823Leu (NM_001362836.2); c.2232C>G, p.Phe744Leu (NM_001362837.2); short protein forms F744L, F823L, F876L.
Identifiers: ClinVar variation 4527840 (VCV004527840.1).

ClinVar aggregate classification (germline): Uncertain significance (1 of 4 stars; one submission).

Submission:

GeneDx
Classification: Uncertain significance. Last evaluated: 2025-05-02. Review status: criteria provided, single submitter. Criteria: GeneDx Variant Classification Process June 2021. Collection method: clinical testing. Allele origin: germline. Affected: yes.
Comment: Not observed at significant frequency in large population cohorts (gnomAD); In silico analysis supports that this missense variant has a deleterious effect on protein structure/function; Has not been previously published as pathogenic or benign to our knowledge